The following is an entry in ClinVar:

NM_001048174.2(MUTYH):c.943C>G (p.Leu315Val)

Gene: MUTYH (mutY DNA glycosylase; minus strand). Cytogenetic location: 1p34.1.
Variant type: single nucleotide variant.
Coding change: c.943C>G on transcript NM_001048174.2 (MANE Select); coding-DNA position 943, C replaced by G.
Protein change: p.Leu315Val; replaces leucine 315 with valine.
Molecular consequence: missense variant. On other transcripts: non-coding transcript variant (7).
Genome position (GRCh38, 1-based): chr1:45,331,820, G>C on the plus strand (C>G on the coding strand, the complement: MUTYH is on the minus strand). VCF-style: chr1-45331820-G-C. GRCh37 (hg19) VCF-style: chr1-45797492-G-C.
Other names: c.985C>G, p.Leu329Val (NM_001407083.1, NM_001407085.1); c.946C>G, p.Leu316Val (NM_001407086.1, NM_001407078.1, NM_001048172.2 and 1 more transcripts); c.964C>G, p.Leu322Val (NM_001407087.1); c.943C>G, p.Leu315Val (NM_001407088.1, NM_001407089.1, NM_001407081.1 and 6 more transcripts); c.667C>G, p.Leu223Val (NM_001407091.1, NM_001293192.2, NM_001293196.2); c.1018C>G, p.Leu340Val (NM_012222.3); c.904C>G, p.Leu302Val (NM_001407079.1); c.901C>G, p.Leu301Val (NM_001407080.1); and 5 more; short protein forms L287V, L302V, L316V, L322V, L200V, L301V, L315V, L326V.
Identifiers: ClinVar variation 4112935 (VCV004112935.1).

ClinVar aggregate classification (germline): Uncertain significance (1 of 4 stars; one submission).

Conditions:
Hereditary cancer-predisposing syndrome. Also called: Tumor predisposition; Neoplastic Syndromes, Hereditary; Hereditary neoplastic syndrome; Hereditary Cancer Syndrome. Identifiers: Orphanet 140162, MedGen C0027672, MeSH D009386, MONDO:0015356.

Submission:

Ambry Genetics
Classification: Uncertain significance for Hereditary cancer-predisposing syndrome. Last evaluated: 2025-08-27. Review status: criteria provided, single submitter. Criteria: Ambry Variant Classification Scheme 2023. Collection method: clinical testing. Allele origin: germline.
Comment: The p.L343V variant (also known as c.1027C>G), located in coding exon 12 of the MUTYH gene, results from a C to G substitution at nucleotide position 1027. The leucine at codon 343 is replaced by valine, an amino acid with highly similar properties. This amino acid position is conserved. In addition, this alteration is predicted to be tolerated by in silico analysis. Based on the available evidence, the clinical significance of this variant remains unclear.